The following is an entry in ClinVar:

NM_001267550.2(TTN):c.102632T>C (p.Val34211Ala)

Genes: TTN (titin; minus strand), TTN-AS1 (TTN antisense RNA 1; plus strand). Cytogenetic location: 2q31.2.
Variant type: single nucleotide variant.
Coding change: c.102632T>C on transcript NM_001267550.2 (MANE Select); coding-DNA position 102632, T replaced by C.
Protein change: p.Val34211Ala; replaces valine 34211 with alanine.
Molecular consequence: missense variant.
Genome position (GRCh38, 1-based): chr2:178,533,983, A>G on the plus strand (T>C on the coding strand, the complement: TTN is on the minus strand). VCF-style: chr2-178533983-A-G. GRCh37 (hg19) VCF-style: chr2-179398710-A-G.
Other names: c.97709T>C, p.Val32570Ala (NM_001256850.1); c.75437T>C, p.Val25146Ala (NM_003319.4); c.94928T>C, p.Val31643Ala (NM_133378.4); c.75812T>C, p.Val25271Ala (NM_133432.3); c.76013T>C, p.Val25338Ala (NM_133437.4); short protein forms V32570A, V34211A, V25271A, V25338A, V31643A, V25146A.
Identifiers: ClinVar variation 1482494 (VCV001482494.6), dbSNP rs2154135563, ClinGen allele CA349417103.

ClinVar aggregate classification (germline): Uncertain significance (1 of 4 stars; one submission).

Conditions:
Dilated cardiomyopathy 1G (CMD1G). Identifiers: Orphanet 154, MedGen C1858763, MONDO:0011400, OMIM 604145.
Autosomal recessive limb-girdle muscular dystrophy type 2J (LGMDR10). Also called: Limb-girdle muscular dystrophy, type 2J; MUSCULAR DYSTROPHY, LIMB-GIRDLE, AUTOSOMAL RECESSIVE 10. Identifiers: Orphanet 140922, MedGen C1837342, MONDO:0012127, OMIM 608807.

Submission:

Labcorp Genetics (formerly Invitae), Labcorp
Classification: Uncertain significance for Dilated cardiomyopathy 1G; Autosomal recessive limb-girdle muscular dystrophy type 2J. Last evaluated: 2024-10-18. Review status: criteria provided, single submitter. Criteria: Invitae Variant Classification Sherloc (09022015). Collection method: clinical testing. Allele origin: germline.
Comment: This sequence change replaces valine, which is neutral and non-polar, with alanine, which is neutral and non-polar, at codon 34211 of the TTN protein (p.Val34211Ala). This variant is not present in population databases (gnomAD no frequency). This variant has not been reported in the literature in individuals affected with TTN-related conditions. ClinVar contains an entry for this variant (Variation ID: 1482494). Experimental studies and prediction algorithms are not available or were not evaluated, and the functional significance of this variant is currently unknown. This variant is located in the M band of TTN (PMID: 25589632). Non-truncating variants in this region may be relevant for neuromuscular disorders, but have not been definitively shown to cause cardiomyopathy (PMID: 23975875). In summary, the available evidence is currently insufficient to determine the role of this variant in disease. Therefore, it has been classified as a Variant of Uncertain Significance.

Literature cited by the submitters: PubMed 25589632; PubMed 23975875.